The following is an entry in ClinVar:

ClinVar aggregate classification (germline): Uncertain significance (1 of 4 stars; one submission).

Conditions:
Autosomal recessive ataxia, Beauce type. Also called: SYNE1-Related Autosomal Recessive Cerebellar Ataxia; Spinocerebellar ataxia, autosomal recessive 8; ATAXIA, RECESSIVE, OF BEAUCE; SYNE1 Deficiency. Identifiers: Orphanet 88644, MedGen C1853116, MONDO:0012549, OMIM 610743.
Emery-Dreifuss muscular dystrophy 4, autosomal dominant (EDMD4). Also called: EMERY-DREIFUSS MUSCULAR DYSTROPHY 4 WITH VARIABLE FEATURES. Identifiers: Orphanet 261, MedGen C2751807, MONDO:0013071, OMIM 612998.

Allele frequency attached by ClinVar (database versions not stated): gnomAD 0.00001; TOPMed 0.00001.
gnomAD v4.1: 15 of 1,614,040 alleles (0.00093%); highest among the groups gnomAD compares: Non-Finnish European, 0.0013%; no homozygotes.

Submission:

Labcorp Genetics (formerly Invitae), Labcorp
Classification: Uncertain significance for Emery-Dreifuss muscular dystrophy 4, autosomal dominant; Autosomal recessive ataxia, Beauce type. Last evaluated: 2025-06-20. Review status: criteria provided, single submitter. Criteria: Invitae Variant Classification Sherloc (09022015). Collection method: clinical testing. Allele origin: germline.
Comment: This sequence change replaces arginine, which is basic and polar, with lysine, which is basic and polar, at codon 4169 of the SYNE1 protein (p.Arg4169Lys). This variant is present in population databases (rs200956314, gnomAD 0.0009%). This variant has not been reported in the literature in individuals affected with SYNE1-related conditions. ClinVar contains an entry for this variant (Variation ID: 2143721). An algorithm developed to predict the effect of missense changes on protein structure and function (PolyPhen-2) suggests that this variant is likely to be tolerated. In summary, the available evidence is currently insufficient to determine the role of this variant in disease. Therefore, it has been classified as a Variant of Uncertain Significance.

NM_182961.4(SYNE1):c.12719G>A (p.Arg4240Lys)

Gene: SYNE1 (spectrin repeat containing nuclear envelope protein 1; minus strand). Cytogenetic location: 6q25.2.
Variant type: single nucleotide variant.
Coding change: c.12719G>A on transcript NM_182961.4 (MANE Select); coding-DNA position 12719, G replaced by A.
Protein change: p.Arg4240Lys; replaces arginine 4240 with lysine.
Molecular consequence: missense variant.
Genome position (GRCh38, 1-based): chr6:152,334,083, C>T on the plus strand (G>A on the coding strand, the complement: SYNE1 is on the minus strand). VCF-style: chr6-152334083-C-T. GRCh37 (hg19) VCF-style: chr6-152655218-C-T.
Other names: c.12506G>A, p.Arg4169Lys (NM_033071.5); short protein forms R4169K, R4240K.
Identifiers: ClinVar variation 2143721 (VCV002143721.4), dbSNP rs200956314, ClinGen allele CA150181718.